The following is an entry in ClinVar:

NM_020911.2(PLXNA4):c.3084C>G (p.Ile1028Met)

Gene: PLXNA4 (plexin A4; minus strand). Cytogenetic location: 7q32.3.
Variant type: single nucleotide variant.
Coding change: c.3084C>G on transcript NM_020911.2 (MANE Select); coding-DNA position 3084, C replaced by G.
Protein change: p.Ile1028Met; replaces isoleucine 1028 with methionine.
Molecular consequence: missense variant.
Genome position (GRCh38, 1-based): chr7:132,185,373, G>C on the plus strand (C>G on the coding strand, the complement: PLXNA4 is on the minus strand). VCF-style: chr7-132185373-G-C. GRCh37 (hg19) VCF-style: chr7-131870132-G-C.
Other names: c.3084C>G, p.Ile1028Met (NM_001393897.1); short protein forms I1028M.
Identifiers: ClinVar variation 4990718 (VCV004990718.1).

ClinVar aggregate classification (germline): Uncertain significance (1 of 4 stars; one submission).

Conditions:
PLXNA4-related disorder. Also called: PLXNA4-related condition.

gnomAD v4.1: 7 of 1,614,004 alleles (0.00043%); highest among the groups gnomAD compares: Admixed American, 0.01%; no homozygotes.

Submission:

PreventionGenetics, part of Exact Sciences
Classification: Uncertain significance for PLXNA4-related condition. Last evaluated: 2026-05-03. Review status: criteria provided, single submitter. Criteria: ACMG Guidelines, 2015. Collection method: clinical testing. Allele origin: germline.
Comment: The PLXNA4 c.3084C>G variant is predicted to result in the amino acid substitution p.Ile1028Met. To our knowledge, this variant has not been reported in the literature. This variant is reported in 0.0087% of alleles in individuals of Latino descent in gnomAD. At this time, the clinical significance of this variant is uncertain due to the absence of conclusive functional and genetic evidence.